The following is an entry in ClinVar:

ClinVar aggregate classification (germline): Likely benign (1 of 4 stars; one submission).

Submission:

CeGaT Center for Human Genetics Tuebingen
Classification: Likely benign. Last evaluated: 2024-10-01. Review status: criteria provided, single submitter. Criteria: CeGaT Center For Human Genetics Tuebingen Variant Classification Criteria Version 2. Collection method: clinical testing. Allele origin: germline. Affected: yes. Observed: 4 variant alleles.
Comment: ZNF616: PM2:Supporting, BP4, BP7

NM_178523.5(ZNF616):c.139+1524G>C

Gene: ZNF616 (zinc finger protein 616; minus strand). Cytogenetic location: 19q13.41.
Variant type: single nucleotide variant.
Coding change: c.139+1524G>C on transcript NM_178523.5 (MANE Select); 1524 bases into the intron after coding-DNA position 139, G replaced by C.
Molecular consequence: intron variant. On other transcripts: non-coding transcript variant (1).
Genome position (GRCh38, 1-based): chr19:52,122,399, C>G on the plus strand (G>C on the coding strand, the complement: ZNF616 is on the minus strand). VCF-style: chr19-52122399-C-G. GRCh37 (hg19) VCF-style: chr19-52625652-C-G.
Identifiers: ClinVar variation 2650382 (VCV002650382.24), dbSNP rs1033238862, ClinGen allele CA2586781017.